The following is an entry in ClinVar:

ClinVar aggregate classification (germline): Uncertain significance. Review status: criteria provided, multiple submitters, no conflicts (2 of 4 stars). 3 submissions from 3 submitters: Uncertain significance (3). Last evaluated 2025-03-31.

Conditions:
PACS2-related disorder. Also called: PACS2-related condition.

Submissions (3):

Labcorp Genetics (formerly Invitae), Labcorp
Classification: Uncertain significance. Last evaluated: 2025-03-31. Review status: criteria provided, single submitter. Criteria: Invitae Variant Classification Sherloc (09022015). Collection method: clinical testing. Allele origin: germline.
Comment: This sequence change replaces valine, which is neutral and non-polar, with isoleucine, which is neutral and non-polar, at codon 691 of the PACS2 protein (p.Val691Ile). This variant is not present in population databases (gnomAD no frequency). This variant has not been reported in the literature in individuals affected with PACS2-related conditions. ClinVar contains an entry for this variant (Variation ID: 1951600). An algorithm developed to predict the effect of missense changes on protein structure and function (PolyPhen-2) suggests that this variant is likely to be tolerated. In summary, the available evidence is currently insufficient to determine the role of this variant in disease. Therefore, it has been classified as a Variant of Uncertain Significance.

Blueprint Genetics
Classification: Uncertain significance. Last evaluated: 2023-12-18. Review status: criteria provided, single submitter. Criteria: ACMG Guidelines, 2015. Collection method: clinical testing. Allele origin: germline.

PreventionGenetics, part of Exact Sciences
Classification: Uncertain significance for PACS2-related condition. Last evaluated: 2023-02-17. Review status: criteria provided, single submitter. Criteria: ACMG Guidelines, 2015. Collection method: clinical testing. Allele origin: germline.
Comment: The PACS2 c.2071G>A variant is predicted to result in the amino acid substitution p.Val691Ile. To our knowledge, this variant has not been reported in the literature or in a large population database, indicating this variant is rare. At this time, the clinical significance of this variant is uncertain due to the absence of conclusive functional and genetic evidence.

NM_001100913.3(PACS2):c.2071G>A (p.Val691Ile)

Gene: PACS2 (phosphofurin acidic cluster sorting protein 2; plus strand). Cytogenetic location: 14q32.33.
Variant type: single nucleotide variant.
Coding change: c.2071G>A on transcript NM_001100913.3 (MANE Select); coding-DNA position 2071, G replaced by A.
Protein change: p.Val691Ile; replaces valine 691 with isoleucine.
Molecular consequence: missense variant.
Genome position (GRCh38, 1-based): chr14:105,389,998, G>A. VCF-style: chr14-105389998-G-A. GRCh37 (hg19) VCF-style: chr14-105856335-G-A.
Other names: c.2071G>A (NM_001100913.2); c.1801G>A, p.Val601Ile (NM_001243127.3); c.2026G>A, p.Val676Ile (NM_015197.4); short protein forms V601I, V691I, V676I.
Identifiers: ClinVar variation 1951600 (VCV001951600.7), dbSNP rs2081302898, ClinGen allele CA391185054.